The following is an entry in ClinVar:

ClinVar aggregate classification (germline): Likely benign. Review status: criteria provided, multiple submitters, no conflicts (2 of 4 stars). 2 submissions from 2 submitters: Likely benign (2). Last evaluated 2021-12-20.

Conditions:
Familial hemiplegic migraine. Identifiers: MedGen C0338484, MONDO:0000700.

Allele frequency attached by ClinVar (database versions not stated): gnomAD exomes below 0.00001 and 0.00001; ExAC 0.00001; gnomAD 0.00001; TOPMed 0.00001.
gnomAD v4.1: 4 of 1,614,058 alleles (0.00025%); highest among the groups gnomAD compares: Admixed American, 0.0017%; no homozygotes.

Submissions (2):

Labcorp Genetics (formerly Invitae), Labcorp
Classification: Likely benign for Familial hemiplegic migraine. Last evaluated: 2021-12-20. Review status: criteria provided, single submitter. Criteria: Invitae Variant Classification Sherloc (09022015). Collection method: clinical testing. Allele origin: germline.

GeneDx
Classification: Likely benign. Last evaluated: 2016-01-14. Review status: criteria provided, single submitter. Criteria: GeneDx Variant Classification (06012015). Collection method: clinical testing. Allele origin: germline. Affected: yes.
Comment: This variant is considered likely benign or benign based on one or more of the following criteria: it is a conservative change, it occurs at a poorly conserved position in the protein, it is predicted to be benign by multiple in silico algorithms, and/or has population frequency not consistent with disease.

NM_000702.4(ATP1A2):c.1110C>T (p.Thr370=)

Gene: ATP1A2 (ATPase Na+/K+ transporting subunit alpha 2; plus strand). Cytogenetic location: 1q23.2.
Variant type: single nucleotide variant.
Coding change: c.1110C>T on transcript NM_000702.4 (MANE Select); coding-DNA position 1110, C replaced by T.
Protein change: p.Thr370=; no amino-acid change (threonine 370 retained).
Molecular consequence: synonymous variant.
Genome position (GRCh38, 1-based): chr1:160,128,744, C>T. VCF-style: chr1-160128744-C-T. GRCh37 (hg19) VCF-style: chr1-160098534-C-T.
Identifiers: ClinVar variation 382736 (VCV000382736.9), dbSNP rs747219922, ClinGen allele CA1194374.